The following is an entry in ClinVar:

ClinVar aggregate classification (germline): Uncertain significance (1 of 4 stars; one submission).

Allele frequency attached by ClinVar (database versions not stated): gnomAD exomes below 0.00001; TOPMed below 0.00001; gnomAD 0.00001.
gnomAD v4.1: 2 of 1,542,246 alleles (0.00013%); highest among the groups gnomAD compares: African/African-American, 0.0014%; no homozygotes.

Submission:

GeneDx
Classification: Uncertain significance. Last evaluated: 2014-03-28. Review status: criteria provided, single submitter. Criteria: GeneDx Variant Classification (06012015). Collection method: clinical testing. Allele origin: germline. Affected: yes.
Comment: Missense variants in the TTN gene are considered 'unclassified' if they are not previously reported in the literature and do not have >1% frequency in the population to be considered a polymorphism. Research indicates that truncating mutations in the TTN gene are expected to account for approximately 25% of familial and 18% of sporadic idiopathic DCM; however, truncating variants in the TTN gene have been reported in approximately 3% of reported control alleles. There has been little investigation into non-truncating variants. (Herman D et al. Truncations of titin causing dilated cardiomyopathy. N Eng J Med 366:619-628, 2012) The variant is found in CARDIOMYOPATHY panel(s).

NM_001267550.2(TTN):c.32821A>G (p.Lys10941Glu)

Gene: TTN (titin; minus strand). Cytogenetic location: 2q31.2.
Variant type: single nucleotide variant.
Coding change: c.32821A>G on transcript NM_001267550.2 (MANE Select); coding-DNA position 32821, A replaced by G.
Protein change: p.Lys10941Glu; replaces lysine 10941 with glutamic acid.
Molecular consequence: missense variant. On other transcripts: intron variant (3).
Genome position (GRCh38, 1-based): chr2:178,683,277, T>C on the plus strand (A>G on the coding strand, the complement: TTN is on the minus strand). VCF-style: chr2-178683277-T-C. GRCh37 (hg19) VCF-style: chr2-179548004-T-C.
Other names: p.K10624E:AAA>GAA; c.31870A>G, p.Lys10624Glu (NM_001256850.1); c.29089A>G, p.Lys9697Glu (NM_133378.4); c.13283-40960A>G (NM_003319.4); c.13859-40960A>G (NM_133437.4); c.13658-40960A>G (NM_133432.3); short protein forms K10624E, K10941E, K9697E.
Identifiers: ClinVar variation 202576 (VCV000202576.2), dbSNP rs794729410, ClinGen allele CA309638.
Genomic context (GRCh38, chr2:178,683,277, plus strand): 5'-TGGGTTGAGGTTCTCTTTTTGGAGCTTCAATTGATACTTTTTCTTCTTTAACCACTCTTT[T>C]TCTGAATTCAGTCACTTTAAAGGAGTAATTATTAAAAGTGAATTGCAAGATTCTGAAAAT-3'
Protein context (NP_001254479.2, residues 10931-10951): EPPAKVTEFR[Lys10941Glu]RVVKEEKVSI